The following is an entry in ClinVar:

NM_020822.3(KCNT1):c.980C>T (p.Ser327Leu)

Gene: KCNT1 (potassium sodium-activated channel subfamily T member 1; plus strand). Cytogenetic location: 9q34.3.
Variant type: single nucleotide variant.
Coding change: c.980C>T on transcript NM_020822.3 (MANE Select); coding-DNA position 980, C replaced by T.
Protein change: p.Ser327Leu; replaces serine 327 with leucine.
Molecular consequence: missense variant.
Genome position (GRCh38, 1-based): chr9:135,759,804, C>T. VCF-style: chr9-135759804-C-T. GRCh37 (hg19) VCF-style: chr9-138651650-C-T.
Other names: c.845C>T, p.Ser282Leu (NM_001272003.2); short protein forms S327L, S282L.
Identifiers: ClinVar variation 1029790 (VCV001029790.1), dbSNP rs1340962392, ClinGen allele CA375498622.
Genomic context (GRCh38, chr9:135,759,804, plus strand): 5'-TCTGCATCGTCACCTTCTCCACCGTGGGCTACGGTGACGTCACGCCCAAGATCTGGCCAT[C>T]GCAGCTGCTGGTGGTCATCATGATCTGCGTGGCCCTCGTGGTGCTCCCACTGCAGGTGGG-3'
Protein context (NP_065873.2, residues 317-337): YGDVTPKIWP[Ser327Leu]QLLVVIMICV

ClinVar aggregate classification (germline): Uncertain significance (1 of 4 stars; one submission).

Conditions:
Autosomal dominant nocturnal frontal lobe epilepsy 5. Also called: KCNT1-Related Epilepsy; CILIARY DYSKINESIA, PRIMARY, 28, WITHOUT SITUS INVERSUS; CILIARY DYSKINESIA, PRIMARY, 28, WITH SITUS INVERSUS; Epilepsy, nocturnal frontal lobe, 5. Identifiers: Orphanet 98784, MedGen C3554306, MONDO:0014002, OMIM 615005.

Allele frequency attached by ClinVar (database versions not stated): gnomAD exomes below 0.00001.
gnomAD v4.1: 2 of 1,613,346 alleles (0.00012%); highest among the groups gnomAD compares: Non-Finnish European, 0.000085%; no homozygotes.

Submission:

Baylor Genetics
Classification: Uncertain significance for Autosomal dominant nocturnal frontal lobe epilepsy 5. Last evaluated: 2019-06-07. Review status: criteria provided, single submitter. Criteria: ACMG Guidelines, 2015. Collection method: clinical testing. Allele origin: unknown. Affected: yes.
Comment: This variant was determined to be of uncertain significance according to ACMG Guidelines, 2015 [PMID:25741868].